The following is an entry in ClinVar:

ClinVar aggregate classification (germline): Likely benign. Review status: criteria provided, multiple submitters, no conflicts (2 of 4 stars). 4 submissions from 4 submitters: Likely benign (4). Last evaluated 2026-02-02.

Conditions:
Multiple endocrine neoplasia, type 2 (MEN2). Identifiers: Orphanet 653, MedGen C4048306, MONDO:0019003. Disease mechanism: gain of function.

Allele frequency attached by ClinVar (database versions not stated): ExAC 0.00002; TOPMed 0.00006; gnomAD 0.00003 and 0.00004.
gnomAD v4.1: 75 of 1,611,770 alleles (0.0047%); highest among the groups gnomAD compares: East Asian, 0.0067%; no homozygotes.

Submissions (4):

Labcorp Genetics (formerly Invitae), Labcorp
Classification: Likely benign for Multiple endocrine neoplasia, type 2. Last evaluated: 2026-02-02. Review status: criteria provided, single submitter. Criteria: Invitae Variant Classification Sherloc (09022015). Collection method: clinical testing. Allele origin: germline.

All of Us Research Program, National Institutes of Health
Classification: Likely benign for Multiple endocrine neoplasia, type 2. Last evaluated: 2024-02-05. Review status: criteria provided, single submitter. Criteria: ACMG Guidelines, 2015. Collection method: clinical testing. Allele origin: germline. Inheritance: Autosomal dominant inheritance. Observed: 16 variant alleles, 16 heterozygotes.
Comment: This study involves interpretation of variants in research participants for the purpose of population health screening. Participant phenotype was not available at the time of variant classification. Additional details can be found in publication PMID: 35346344, PMCID: PMC8962531

Color Diagnostics, LLC DBA Color Health
Classification: Likely benign for Multiple endocrine neoplasia, type 2. Last evaluated: 2023-02-15. Review status: criteria provided, single submitter. Criteria: ACMG Guidelines, 2015. Collection method: clinical testing. Allele origin: germline.

PreventionGenetics, part of Exact Sciences
Classification: Likely benign. Last evaluated: 2017-11-07. Review status: criteria provided, single submitter. Criteria: ACMG Guidelines, 2015. Collection method: clinical testing. Allele origin: germline.

NM_020975.6(RET):c.1064-6C>T

Gene: RET (ret proto-oncogene; plus strand). Cytogenetic location: 10q11.21.
Variant type: single nucleotide variant.
Coding change: c.1064-6C>T on transcript NM_020975.6 (MANE Select); 6 bases into the intron before coding-DNA position 1064, C replaced by T.
Molecular consequence: intron variant.
Genome position (GRCh38, 1-based): chr10:43,109,025, C>T. VCF-style: chr10-43109025-C-T. GRCh37 (hg19) VCF-style: chr10-43604473-C-T.
Other names: c.626-3074C>T (NM_001406779.1, NM_001406781.1, NM_001406787.1 and 3 more transcripts); c.935-6C>T (NM_001406764.1, NM_001406762.1, NM_001406761.1 and 1 more transcripts); c.739-2182C>T (NM_001406774.1); c.497-3074C>T (NM_001406786.1, NM_001406783.1); c.776-6C>T (NM_001406770.1, NM_001406766.1, NM_001406767.1); c.338-6C>T (NM_001406778.1, NM_001406775.1, NM_001406776.1 and 1 more transcripts); c.338-3074C>T (NM_001406790.1, NM_001406788.1, NM_001406789.1 and 1 more transcripts); c.74-6C>T (NM_001406784.1); and 5 more.
Identifiers: ClinVar variation 220068 (VCV000220068.17), dbSNP rs768878280, ClinGen allele CA031383.
Genomic context (GRCh38, chr10:43,109,025, plus strand): 5'-AGGTGTGCTACACATGAGGAAGCAGCCAGAGCAGCTTGGTGGTCATTGTTGTGCCCCTAC[C>T]TGCAGGGCTGGTTCTCAACCGGAACCTCTCCATCTCGGAGAACCGCACCATGCAGCTGGC-3'